The following is an entry in ClinVar:

ClinVar aggregate classification (germline): Likely benign (1 of 4 stars; one submission).

Allele frequency attached by ClinVar (database versions not stated): TOPMed 0.00001.

Submission:

GeneDx
Classification: Likely benign. Last evaluated: 2017-07-21. Review status: criteria provided, single submitter. Criteria: GeneDx Variant Classification (06012015). Collection method: clinical testing. Allele origin: germline. Affected: yes.
Comment: This variant is considered likely benign or benign based on one or more of the following criteria: it is a conservative change, it occurs at a poorly conserved position in the protein, it is predicted to be benign by multiple in silico algorithms, and/or has population frequency not consistent with disease.

NM_004360.5(CDH1):c.532-18C>A

Gene: CDH1 (cadherin 1; plus strand). Cytogenetic location: 16q22.1.
Variant type: single nucleotide variant.
Coding change: c.532-18C>A on transcript NM_004360.5 (MANE Select); 18 bases into the intron before coding-DNA position 532, C replaced by A.
Molecular consequence: intron variant.
Genome position (GRCh38, 1-based): chr16:68,808,675, C>A. VCF-style: chr16-68808675-C-A. GRCh37 (hg19) VCF-style: chr16-68842578-C-A.
Other names: c.-1084-18C>A (NM_001317185.2); c.-1288-18C>A (NM_001317186.2); c.532-18C>A (NM_001317184.2, LRG_301t1).
Identifiers: ClinVar variation 511021 (VCV000511021.1), dbSNP rs200673941, ClinGen allele CA658798621.